The following is an entry in ClinVar:

NM_001126108.2(SLC12A3):c.488C>T (p.Thr163Met)

Gene: SLC12A3 (solute carrier family 12 member 3; plus strand). Cytogenetic location: 16q13.
Variant type: single nucleotide variant.
Coding change: c.488C>T on transcript NM_001126108.2 (MANE Select); coding-DNA position 488, C replaced by T.
Protein change: p.Thr163Met; replaces threonine 163 with methionine.
Molecular consequence: missense variant.
Genome position (GRCh38, 1-based): chr16:56,868,355, C>T. VCF-style: chr16-56868355-C-T. GRCh37 (hg19) VCF-style: chr16-56902267-C-T.
Other names: c.488C>T, p.Thr163Met (NM_000339.3); c.485C>T, p.Thr162Met (NM_001126107.2); short protein forms T163M, T162M.
Identifiers: ClinVar variation 242798 (VCV000242798.28), dbSNP rs267607050, ClinGen allele CA031919.
Genomic context (GRCh38, chr16:56,868,355, plus strand): 5'-AGATTCGTTGCATGCTCAACATTTGGGGCGTGATCCTCTACCTGCGGCTGCCCTGGATTA[C>T]GGCCCAGGCAGGCATCGGTGAGTGCCCCTCTGGGGAAGAGGAGGGAGGGCTTGCCTGAAT-3'
Protein context (NP_001119580.2, residues 153-173): VILYLRLPWI[Thr163Met]AQAGIVLTWI

ClinVar aggregate classification (germline): Pathogenic/Likely pathogenic. Review status: criteria provided, multiple submitters, no conflicts (2 of 4 stars). 11 submissions from 11 submitters: Pathogenic (9); Likely pathogenic (1). 1 of the submissions does not count toward it. Last evaluated 2025-09-29.

Conditions:
Renal tubulopathies.
SLC12A3-related disorder. Also called: SLC12A3-related condition.
Familial hypokalemia-hypomagnesemia (GTLMNS). Also called: HYPOMAGNESEMIA-HYPOKALEMIA, PRIMARY RENOTUBULAR, WITH HYPOCALCIURIA; gitelman syndrome; POTASSIUM AND MAGNESIUM DEPLETION. Identifiers: Orphanet 358, MedGen C0268450, MONDO:0009904, OMIM 263800.

Allele frequency attached by ClinVar (database versions not stated): ExAC 0.00001; gnomAD 0.00001; gnomAD exomes 0.00001 and 0.00004; TOPMed 0.00001.
gnomAD v4.1: 16 of 1,613,094 alleles (0.00099%); highest among the groups gnomAD compares: East Asian, 0.02%; no homozygotes.

Submissions (11):

Genetics Laboratory, Great Ormond Street Hospital NHS Foundation Trust, North Thames Genomic Laboratory Hub
Classification: Likely pathogenic for Renal tubulopathies. Last evaluated: 2025-09-29. Review status: criteria provided, single submitter. Criteria: ACGS Best Practice Guidelines for Variant Classification in Rare Disease 2024 v1.2. Collection method: clinical testing. Allele origin: germline. Affected: yes.
Comment: PM2_moderate, PM3_strong, PP4_supporting

Labcorp Genetics (formerly Invitae), Labcorp
Classification: Pathogenic. Last evaluated: 2025-08-28. Review status: criteria provided, single submitter. Criteria: Invitae Variant Classification Sherloc (09022015). Collection method: clinical testing. Allele origin: germline.
Comment: This sequence change replaces threonine, which is neutral and polar, with methionine, which is neutral and non-polar, at codon 163 of the SLC12A3 protein (p.Thr163Met). This variant is present in population databases (rs267607050, gnomAD 0.04%). This missense change has been observed in individuals with Gitelman syndrome (PMID: 12112667, 21051746, 26260218, 30596175). It has also been observed to segregate with disease in related individuals. ClinVar contains an entry for this variant (Variation ID: 242798). Invitae Evidence Modeling of protein sequence and biophysical properties (such as structural, functional, and spatial information, amino acid conservation, physicochemical variation, residue mobility, and thermodynamic stability) indicates that this missense variant is expected to disrupt SLC12A3 protein function with a positive predictive value of 80%. For these reasons, this variant has been classified as Pathogenic.

Natera, Inc.
Classification: Pathogenic for Gitelman syndrome. Last evaluated: 2025-07-07. Review status: criteria provided, single submitter. Criteria: Natera Variant Classification Schema (03/2026). Collection method: clinical testing. Allele origin: germline.
Comment: The c.488C>T variant in SLC12A3 is a missense variant predicted to cause substitution of threonine to methionine at amino acid 163. This variant is rare in the general population with a frequency below the threshold expected for the associated phenotype(s). This variant has been observed in one or more individuals affected with the associated recessive disease, as either homozygous or compound heterozygous with a second variant (PMID: 22009145, 21415153, 30596175). Given the available evidence, this variant is classified as Pathogenic.

GeneDx
Classification: Pathogenic. Last evaluated: 2025-03-04. Review status: criteria provided, single submitter. Criteria: GeneDx Variant Classification Process June 2021. Collection method: clinical testing. Allele origin: germline.
Comment: Identified as a common variant with an allele frequency of 3.2% in a cohort of 310 Chinese patients diagnosed with Gitelman syndrome (PMID: 34860177); In silico analysis indicates that this missense variant does not alter protein structure/function; This variant is associated with the following publications: (PMID: 12112667, 35591852, 34389731, 17472852, 25841442, 34604727, 36806220, 19033254, 28469853, 21256383, 12686679, 17000984, 36158002, 21051746, 15687331, 26260218, 31398183, 22679066, 30596175, 37248651, 34860177)

Fulgent Genetics
Classification: Pathogenic for Familial hypokalemia-hypomagnesemia. Last evaluated: 2024-05-17. Review status: criteria provided, single submitter. Criteria: ACMG Guidelines, 2015. Collection method: clinical testing. Allele origin: germline.

Blueprint Genetics
Classification: Pathogenic for SLC12A3-related disorders. Last evaluated: 2021-08-10. Review status: criteria provided, single submitter. Criteria: ACMG Guidelines, 2015. Collection method: clinical testing. Allele origin: germline. Affected: yes. Observed: 1 variant allele.

Genome-Nilou Lab
Classification: Pathogenic for Familial hypokalemia-hypomagnesemia. Last evaluated: 2021-07-15. Review status: criteria provided, single submitter. Criteria: ACMG Guidelines, 2015. Collection method: clinical testing. Allele origin: germline. Affected: no.

Institute of Medical Genetics and Applied Genomics, University Hospital Tübingen
Classification: Pathogenic. Last evaluated: 2021-06-17. Review status: criteria provided, single submitter. Criteria: ACMG Guidelines, 2015. Collection method: clinical testing. Allele origin: germline. Inheritance: Autosomal recessive inheritance. Affected: yes.

Athena Diagnostics
Classification: Pathogenic. Last evaluated: 2021-05-14. Review status: criteria provided, single submitter. Criteria: Athena Diagnostics criteria. Collection method: clinical testing. Allele origin: unknown.
Comment: The frequency of this variant in the general population is consistent with pathogenicity. This variant appears to segregate with disease in at least one family, however, the available information does not rule out segregation due to chance. In multiple individuals, this variant has been seen with a single recessive pathogenic variant in the same gene, suggesting this variant may also be pathogenic.

Juno Genomics, Hangzhou Juno Genomics, Inc
Classification: Pathogenic for Familial hypokalemia-hypomagnesemia. Review status: criteria provided, single submitter. Criteria: ACMG Guidelines, 2015. Collection method: clinical testing. Allele origin: germline. Affected: yes.
Comment: Absent from controls (or at extremely low frequency if recessive) in Genome Aggregation Database, Exome Sequencing Project, 1000 Genomes Project, or Exome Aggregation Consortium.;Multiple lines of computational evidence support a deleterious effect on the gene or gene product (conservation, evolutionary, splicing impact, etc).;For recessive disorders, detected in trans with a pathogenic variant.;Co-segregation with disease in multiple affected family members in a gene definitively known to cause the disease.;Patient's phenotype or family history is highly specific for a disease with a single genetic etiology.

Department of Endocrinology, Dongguan Hospital of Guangzhou University of Chinese Medicine
Classification: Pathogenic for Familial hypokalemia-hypomagnesemia. Review status: no assertion criteria provided. Collection method: clinical testing. Allele origin: biparental. Affected: yes. Not counted in ClinVar's aggregate classification.

Literature cited by the submitters: PubMed 12112667 (cited by Labcorp Genetics (formerly Invitae), Labcorp and Athena Diagnostics); PubMed 21051746 (cited by Labcorp Genetics (formerly Invitae), Labcorp and Athena Diagnostics); PubMed 26260218 (cited by Labcorp Genetics (formerly Invitae), Labcorp and Athena Diagnostics); PubMed 30596175 (cited by 3 submitters); PubMed 22009145 (cited by Natera, Inc.); PubMed 21415153 (cited by Natera, Inc.); PubMed 31398183 (cited by Athena Diagnostics).